The following is an entry in ClinVar:

ClinVar aggregate classification (germline): Uncertain significance. Review status: criteria provided, multiple submitters, no conflicts (2 of 4 stars). 2 submissions from 2 submitters: Uncertain significance (2). Last evaluated 2025-04-25.

Conditions:
Inborn genetic diseases. Identifiers: MedGen C0950123, MeSH D030342.

Allele frequency attached by ClinVar (database versions not stated): TOPMed 0.00003; gnomAD 0.00005; ExAC 0.00013; 1000 Genomes Project 0.00020; 1000 Genomes Project 30x 0.00031.
gnomAD v4.1: 70 of 1,608,594 alleles (0.0044%); highest among the groups gnomAD compares: East Asian, 0.087%; no homozygotes.

Submissions (2):

GeneDx
Classification: Uncertain significance. Last evaluated: 2025-04-25. Review status: criteria provided, single submitter. Criteria: GeneDx Variant Classification Process June 2021. Collection method: clinical testing. Allele origin: germline. Affected: yes.
Comment: In silico analysis indicates that this missense variant does not alter protein structure/function; Has not been previously published as pathogenic or benign to our knowledge

Ambry Genetics
Classification: Uncertain significance for Inborn genetic diseases. Last evaluated: 2022-02-10. Review status: criteria provided, single submitter. Criteria: Ambry Variant Classification Scheme 2023. Collection method: clinical testing. Allele origin: germline.

NM_001271938.2(MEGF8):c.7621G>C (p.Gly2541Arg)

Gene: MEGF8 (multiple EGF like domains 8; plus strand). Cytogenetic location: 19q13.2.
Variant type: single nucleotide variant.
Coding change: c.7621G>C on transcript NM_001271938.2 (MANE Select); coding-DNA position 7621, G replaced by C.
Protein change: p.Gly2541Arg; replaces glycine 2541 with arginine.
Molecular consequence: missense variant.
Genome position (GRCh38, 1-based): chr19:42,375,858, G>C. VCF-style: chr19-42375858-G-C. GRCh37 (hg19) VCF-style: chr19-42880010-G-C.
Other names: c.7420G>C, p.Gly2474Arg (NM_001410.3); short protein forms G2474R, G2541R.
Identifiers: ClinVar variation 2388204 (VCV002388204.3), dbSNP rs543549761, ClinGen allele CA9476216.